The following is an entry in ClinVar:

NM_000091.5(COL4A3):c.2417dup (p.Gly807fs)

Genes: COL4A3 (collagen type IV alpha 3 chain; plus strand), MFF-DT (MFF divergent transcript; minus strand). Cytogenetic location: 2q36.3.
Variant type: Duplication.
Coding change: c.2417dup on transcript NM_000091.5 (MANE Select); coding-DNA position 2417, one base duplicated (C; older notation c.2417dupC).
Protein change: p.Gly807fs; shifts the reading frame from glycine 807.
Molecular consequence: frameshift variant.
Genome position (GRCh38, 1-based): chr2:227,280,935, C duplicated; the last of 5 consecutive C bases (chr2:227,280,931-227,280,935); duplicating any one gives the same sequence. VCF-style (leftmost placement, unchanged base first): chr2-227280930-A-AC. GRCh37 (hg19) VCF-style: chr2-228145646-A-AC.
Other names: p.(Gly807Argfs*28); c.2417dupC (NM_000091.4); c.2417dup (NM_000091.4); short protein forms G807fs.
Identifiers: ClinVar variation 552236 (VCV000552236.17), dbSNP rs1440033157, ClinGen allele CA539900522.
Genomic context (GRCh38, chr2:227,280,930, plus strand): 5'-TATACTTGTGCTTTCTTTTGCAGGAGATCCAGGGCAGCCTGGACCACCTGGAGAACAAGG[A>AC]CCCCCAGGAAGGTGCATAGAGGGTCCCAGGGGAGCCCAAGGACTTCCAGGCTTAAATGGA-3'

ClinVar aggregate classification (germline): Pathogenic/Likely pathogenic. Review status: criteria provided, multiple submitters, no conflicts (2 of 4 stars). 10 submissions from 10 submitters: Pathogenic (6); Likely pathogenic (2). 2 of the submissions do not count toward it. Last evaluated 2026-03-27.

Conditions:
Autosomal dominant Alport syndrome (ATS3A). Also called: Alport syndrome dominant type; Renal failure and sensorineural hearing loss; ALPORT SYNDROME 3A, AUTOSOMAL DOMINANT. Identifiers: Orphanet 63, Orphanet 88918, MedGen C5882663, MONDO:0007086, OMIM 104200.
Hematuria, benign familial, 2 (BFH2). Identifiers: MedGen C5830421, MONDO:0958186, OMIM 620320.
Alport syndrome 3b, autosomal recessive. Identifiers: MedGen C5882699, MONDO:0957811, OMIM 620536.
COL4A3-related disorder. Also called: COL4A3-Related Disorders; COL4A3-related condition.
Alport syndrome. Also called: Hemorrhagic familial nephritis; Hemorrhagic hereditary nephritis; Congenital hereditary hematuria. Identifiers: Orphanet 63, MedGen C1567741, MONDO:0018965.
Autosomal recessive Alport syndrome (ATS2). Also called: ALPORT SYNDROME 2, AUTOSOMAL RECESSIVE; COL4A4 Alport Syndrome and Thin Basement Membrane Nephropathy; COL4A3-Related Nephropathy; Alport syndrome type 2. Identifiers: Orphanet 63, Orphanet 88919, MedGen C4746745, MONDO:0008762, OMIM 203780.

Submissions (10):

Centre de Génétique Humaine, Institut de Pathologie Et de Génétique
Classification: Pathogenic for Autosomal dominant Alport syndrome. Last evaluated: 2026-03-27. Review status: criteria provided, single submitter. Criteria: ACMG Guidelines, 2015. Collection method: clinical testing. Allele origin: paternal. Inheritance: Autosomal dominant inheritance. Affected: yes. Observed: 1 variant allele, 1 heterozygote. Segregation with disease observed.
Comment: This 1 bp duplication is a frameshift variant predicted to result in protein truncation or nonsense mediated decay in a gene for which loss-of-function is a known mechanism of disease (PVS1). This variant is rare: allelic frequency of 0.00096% in gnomAD v4.1.0 database (PM2). Described in AR Alport Syndrome (PP5)

Labcorp Genetics (formerly Invitae), Labcorp
Classification: Pathogenic. Last evaluated: 2025-07-30. Review status: criteria provided, single submitter. Criteria: Invitae Variant Classification Sherloc (09022015). Collection method: clinical testing. Allele origin: germline.
Comment: This sequence change creates a premature translational stop signal (p.Gly807Argfs*28) in the COL4A3 gene. It is expected to result in an absent or disrupted protein product. Loss-of-function variants in COL4A3 are known to be pathogenic (PMID: 8956999, 24854265, 26809805, 27281700). This variant is not present in population databases (gnomAD no frequency). This premature translational stop signal has been observed in individual(s) with Alport syndrome (PMID: 11134255). ClinVar contains an entry for this variant (Variation ID: 552236). For these reasons, this variant has been classified as Pathogenic.

Natera, Inc.
Classification: Pathogenic for Alport syndrome. Last evaluated: 2025-06-19. Review status: criteria provided, single submitter. Criteria: Natera Variant Classification Schema (03/2026). Collection method: clinical testing. Allele origin: germline.
Comment: The c.2417dupC variant in COL4A3 is a frameshift variant predicted to shift the reading frame beginning at codon 807 and leads to a stop codon 28 codons downstream. This variant is expected to result in nonsense mediated decay, truncation, or a dysfunctional protein product. This variant is rare in the general population with a frequency below the threshold expected for the associated phenotype(s). This variant has been observed in one or more individuals affected with the associated recessive disease, as either homozygous or compound heterozygous with a second variant (PMID: 11134255, 37217505). This variant has been observed to segregate in affected family members (PMID: 38346493). Given the available evidence, this variant is classified as Pathogenic.

GeneDx
Classification: Pathogenic. Last evaluated: 2024-09-12. Review status: criteria provided, single submitter. Criteria: GeneDx Variant Classification Process June 2021. Collection method: clinical testing. Allele origin: germline. Affected: yes.
Comment: Frameshift variant predicted to result in protein truncation or nonsense mediated decay in a gene for which loss-of-function is a known mechanism of disease; Not observed at significant frequency in large population cohorts (gnomAD); This variant is associated with the following publications: (PMID: 36117978, 37217505, 11134255, 38346493)

Fulgent Genetics
Classification: Pathogenic for Autosomal dominant Alport syndrome; Hematuria, benign familial, 2; Alport syndrome 3b, autosomal recessive. Last evaluated: 2024-03-07. Review status: criteria provided, single submitter. Criteria: ACMG Guidelines, 2015. Collection method: clinical testing. Allele origin: germline.

Women's Health and Genetics/Laboratory Corporation of America, LabCorp
Classification: Likely pathogenic for Autosomal recessive Alport syndrome. Last evaluated: 2021-09-29. Review status: criteria provided, single submitter. Criteria: LabCorp Variant Classification Summary - May 2015. Collection method: clinical testing. Allele origin: germline.
Comment: Variant summary: COL4A3 c.2417dupC (p.Gly807ArgfsX28) results in a premature termination codon, predicted to cause a truncation of the encoded protein or absence of the protein due to nonsense mediated decay, which are commonly known mechanisms for disease. Truncations downstream of this position have been classified as pathogenic by our laboratory. The variant allele was found at a frequency of 5.8e-06 in 172936 control chromosomes. c.2417dupC has been reported in the literature in at least one individual affected with Alport Syndrome, Autosomal Recessive (Heidet_2001). To our knowledge, no experimental evidence demonstrating an impact on protein function has been reported. Two clinical diagnostic laboratories have submitted clinical-significance assessments for this variant to ClinVar after 2014 without evidence for independent evaluation. All laboratories classified the variant as pathogenic/likely pathogenic. Based on the evidence outlined above, the variant was classified as likely pathogenic.

Institute of Human Genetics Munich, TUM University Hospital
Classification: Pathogenic for Autosomal recessive Alport syndrome. Last evaluated: 2019-06-07. Review status: criteria provided, single submitter. Criteria: Classification criteria August 2017. Collection method: clinical testing. Allele origin: maternal. Inheritance: Autosomal recessive inheritance. Affected: yes. Observed: 1 compound heterozygote.

Clinical Genetics Service, Universitary Hospital 12 de Octubre
Classification: Likely pathogenic for Autosomal dominant Alport syndrome. Review status: criteria provided, single submitter. Criteria: ACMG Guidelines, 2015. Collection method: clinical testing. Allele origin: germline. Affected: yes.

PreventionGenetics, part of Exact Sciences
Classification: Pathogenic for COL4A3-related condition. Last evaluated: 2024-08-02. Review status: no assertion criteria provided. Collection method: clinical testing. Allele origin: germline. Not counted in ClinVar's aggregate classification.
Comment: The COL4A3 c.2417dupC variant is predicted to result in a frameshift and premature protein termination (p.Gly807Argfs*28). This variant has been reported in the homozygous and compound heterozygous states in multiple individuals with Alport syndrome (Heidet et al. 2001. PubMed ID: 11134255; Table S1, Ćomić et al. 2022. PubMed ID: 36117978). This variant is reported in 0.0014% of alleles in individuals of European (non-Finnish) descent in gnomAD. Frameshift variants in COL4A3 are expected to be pathogenic. This variant is interpreted as pathogenic.

Counsyl
Classification: Likely pathogenic for Autosomal recessive Alport syndrome. Last evaluated: 2017-05-31. Review status: no assertion criteria provided. Collection method: clinical testing. Allele origin: unknown. Not counted in ClinVar's aggregate classification.

Literature cited by the submitters: PubMed 36117978 (cited by Centre de Génétique Humaine, Institut de Pathologie Et de Génétique); PubMed 38346493 (cited by Centre de Génétique Humaine, Institut de Pathologie Et de Génétique and Natera, Inc.); PubMed 8956999 (cited by Labcorp Genetics (formerly Invitae), Labcorp); PubMed 24854265 (cited by Labcorp Genetics (formerly Invitae), Labcorp); PubMed 26809805 (cited by Labcorp Genetics (formerly Invitae), Labcorp); PubMed 27281700 (cited by Labcorp Genetics (formerly Invitae), Labcorp); PubMed 11134255 (cited by 4 submitters); PubMed 37217505 (cited by Natera, Inc.).